The following is an entry in ClinVar:

NM_001791.4(CDC42):c.494T>C (p.Leu165Pro)

Gene: CDC42 (cell division cycle 42; plus strand). Cytogenetic location: 1p36.12.
Variant type: single nucleotide variant.
Coding change: c.494T>C on transcript NM_001791.4 (MANE Select); coding-DNA position 494, T replaced by C.
Protein change: p.Leu165Pro; replaces leucine 165 with proline.
Molecular consequence: missense variant.
Genome position (GRCh38, 1-based): chr1:22,091,435, T>C. VCF-style: chr1-22091435-T-C. GRCh37 (hg19) VCF-style: chr1-22417928-T-C.
Other names: c.494T>C, p.Leu165Pro (NM_001039802.2); short protein forms L165P.
Identifiers: ClinVar variation 4082892 (VCV004082892.1).

ClinVar aggregate classification (germline): Uncertain significance (1 of 4 stars; one submission).

Submission:

GeneDx
Classification: Uncertain significance. Last evaluated: 2025-03-12. Review status: criteria provided, single submitter. Criteria: GeneDx Variant Classification Process June 2021. Collection method: clinical testing. Allele origin: germline. Affected: yes.
Comment: Not observed at significant frequency in large population cohorts (gnomAD); In silico analysis supports that this missense variant has a deleterious effect on protein structure/function; Has not been previously published as pathogenic or benign to our knowledge